The following is an entry in ClinVar:

NM_014402.5(UQCRQ):c.22C>A (p.Leu8Met)

Genes: UQCRQ (ubiquinol-cytochrome c reductase complex III subunit VII; plus strand), LOC126807509 (BRD4-independent group 4 enhancer GRCh37_chr5:132201613-132202812; plus strand). Cytogenetic location: 5q31.1.
Variant type: single nucleotide variant.
Coding change: c.22C>A on transcript NM_014402.5 (MANE Select); coding-DNA position 22, C replaced by A.
Protein change: p.Leu8Met; replaces leucine 8 with methionine.
Molecular consequence: missense variant.
Genome position (GRCh38, 1-based): chr5:132,866,903, C>A. VCF-style: chr5-132866903-C-A. GRCh37 (hg19) VCF-style: chr5-132202595-C-A.
Other names: short protein forms L8M.
Identifiers: ClinVar variation 1033694 (VCV001033694.3), dbSNP rs140851547, ClinGen allele CA3408426.

ClinVar aggregate classification (germline): Uncertain significance. Review status: criteria provided, multiple submitters, no conflicts (2 of 4 stars). 2 submissions from 2 submitters: Uncertain significance (2). Last evaluated 2024-08-29.

Conditions:
Mitochondrial complex III deficiency nuclear type 4. Identifiers: MedGen C3554607, MONDO:0014065, OMIM 615159.

Allele frequency attached by ClinVar (database versions not stated): gnomAD exomes 0.00001 and 0.00002; ExAC 0.00002; gnomAD 0.00014 and 0.00017; ESP Exome Variant Server 0.00015; TOPMed 0.00023.

Submissions (2):

Labcorp Genetics (formerly Invitae), Labcorp
Classification: Uncertain significance. Last evaluated: 2024-08-29. Review status: criteria provided, single submitter. Criteria: Invitae Variant Classification Sherloc (09022015). Collection method: clinical testing. Allele origin: germline.
Comment: This sequence change replaces leucine, which is neutral and non-polar, with methionine, which is neutral and non-polar, at codon 8 of the UQCRQ protein (p.Leu8Met). This variant is present in population databases (rs140851547, gnomAD 0.05%). This variant has not been reported in the literature in individuals affected with UQCRQ-related conditions. ClinVar contains an entry for this variant (Variation ID: 1033694). An algorithm developed to predict the effect of missense changes on protein structure and function (PolyPhen-2) suggests that this variant is likely to be disruptive. In summary, the available evidence is currently insufficient to determine the role of this variant in disease. Therefore, it has been classified as a Variant of Uncertain Significance.

Baylor Genetics
Classification: Uncertain significance for Mitochondrial complex III deficiency nuclear type 4. Last evaluated: 2018-01-27. Review status: criteria provided, single submitter. Criteria: ACMG Guidelines, 2015. Collection method: clinical testing. Allele origin: unknown. Affected: yes.
Comment: This variant was determined to be of uncertain significance according to ACMG Guidelines, 2015 [PMID:25741868].